The following is an entry in ClinVar:

NM_017849.4(TMEM127):c.308G>A (p.Gly103Asp)

Gene: TMEM127 (transmembrane protein 127; minus strand). Cytogenetic location: 2q11.2.
Variant type: single nucleotide variant.
Coding change: c.308G>A on transcript NM_017849.4 (MANE Select); coding-DNA position 308, G replaced by A.
Protein change: p.Gly103Asp; replaces glycine 103 with aspartic acid.
Molecular consequence: missense variant.
Genome position (GRCh38, 1-based): chr2:96,254,934, C>T on the plus strand (G>A on the coding strand, the complement: TMEM127 is on the minus strand). VCF-style: chr2-96254934-C-T. GRCh37 (hg19) VCF-style: chr2-96920672-C-T.
Other names: c.308G>A, p.Gly103Asp (NM_001193304.3); c.308G>A (NM_017849.3); short protein forms G103D.
Identifiers: ClinVar variation 1513148 (VCV001513148.6), dbSNP rs1313510506, ClinGen allele CA347653501.

ClinVar aggregate classification (germline): Uncertain significance. Review status: criteria provided, multiple submitters, no conflicts (2 of 4 stars). 2 submissions from 2 submitters: Uncertain significance (2). Last evaluated 2024-06-06.

Conditions:
Hereditary pheochromocytoma and paraganglioma. Also called: Hereditary paragangliomas and pheochromocytomas; Hereditary Paraganglioma-Pheochromocytoma Syndromes; Hereditary pheochromocytoma-paraganglioma. Identifiers: Orphanet 29072, MedGen C4274332, MONDO:0017366.
Hereditary cancer-predisposing syndrome. Also called: Tumor predisposition; Hereditary Cancer Syndrome; Hereditary neoplastic syndrome; Neoplastic Syndromes, Hereditary. Identifiers: Orphanet 140162, MedGen C0027672, MeSH D009386, MONDO:0015356.

Allele frequency attached by ClinVar (database versions not stated): gnomAD exomes below 0.00001.

Submissions (2):

Ambry Genetics
Classification: Uncertain significance for Hereditary cancer-predisposing syndrome. Last evaluated: 2024-06-06. Review status: criteria provided, single submitter. Criteria: Ambry Variant Classification Scheme 2023. Collection method: clinical testing. Allele origin: germline.
Comment: The p.G103D variant (also known as c.308G>A), located in coding exon 2 of the TMEM127 gene, results from a G to A substitution at nucleotide position 308. The glycine at codon 103 is replaced by aspartic acid, an amino acid with similar properties. This amino acid position is conserved. In addition, this alteration is predicted to be deleterious by in silico analysis. Based on the available evidence, the clinical significance of this variant remains unclear.

Labcorp Genetics (formerly Invitae), Labcorp
Classification: Uncertain significance for Hereditary pheochromocytoma and paraganglioma. Last evaluated: 2021-11-30. Review status: criteria provided, single submitter. Criteria: Invitae Variant Classification Sherloc (09022015). Collection method: clinical testing. Allele origin: germline.
Comment: In summary, the available evidence is currently insufficient to determine the role of this variant in disease. Therefore, it has been classified as a Variant of Uncertain Significance. Algorithms developed to predict the effect of missense changes on protein structure and function are either unavailable or do not agree on the potential impact of this missense change (SIFT: "Deleterious"; PolyPhen-2: "Benign"; Align-GVGD: "Class C65"). This sequence change replaces glycine, which is neutral and non-polar, with aspartic acid, which is acidic and polar, at codon 103 of the TMEM127 protein (p.Gly103Asp). This variant has not been reported in the literature in individuals affected with TMEM127-related conditions. This variant is present in population databases (no rsID available, gnomAD 0.006%).